The following is an entry in ClinVar:

NM_000256.3(MYBPC3):c.3392T>C (p.Ile1131Thr)

Gene: MYBPC3 (myosin binding protein C3; minus strand). Cytogenetic location: 11p11.2.
Variant type: single nucleotide variant.
Coding change: c.3392T>C on transcript NM_000256.3 (MANE Select); coding-DNA position 3392, T replaced by C.
Protein change: p.Ile1131Thr; replaces isoleucine 1131 with threonine.
Molecular consequence: missense variant.
Genome position (GRCh38, 1-based): chr11:47,332,912, A>G on the plus strand (T>C on the coding strand, the complement: MYBPC3 is on the minus strand). VCF-style: chr11-47332912-A-G. GRCh37 (hg19) VCF-style: chr11-47354463-A-G.
Other names: short protein forms I1131T.
Identifiers: ClinVar variation 42711 (VCV000042711.110), dbSNP rs370890951, ClinGen allele CA014070.

ClinVar aggregate classification (germline): Conflicting classifications of pathogenicity. Review status: criteria provided, conflicting classifications (1 of 4 stars). 20 submissions from 19 submitters: Uncertain significance (1); Benign (3); Likely benign (10). 6 of the submissions do not count toward it. Last evaluated 2026-08-01.

Conditions:
Left ventricular noncompaction 10 (LVNC10). Identifiers: Orphanet 154, Orphanet 54260, MedGen C3715165, MONDO:0014163, OMIM 615396.
Cardiovascular phenotype. Identifiers: MedGen CN230736.
Cardiomyopathy (CMYO). Also called: Cardiomyopathies. Identifiers: Orphanet 167848, MedGen C0878544, MONDO:0004994, HP:0001638. Inheritance: Various modes of inheritance.
Hypertrophic cardiomyopathy 4. Also called: Familial hypertrophic cardiomyopathy 4. Identifiers: MedGen C1861862, MONDO:0007268, OMIM 115197.
Hypertrophic cardiomyopathy. Also called: HYPERTROPHIC MYOCARDIOPATHY. Identifiers: Orphanet 217569, MedGen C0007194, MeSH D002312, MONDO:0005045, HP:0001639.

Allele frequency attached by ClinVar (database versions not stated): gnomAD 0.00076 and 0.00071; gnomAD exomes 0.00080 and 0.00091; ExAC 0.00106; TOPMed 0.00061; ESP Exome Variant Server 0.00057.
gnomAD v4.1: 1,399 of 1,610,014 alleles (0.087%); highest among the groups gnomAD compares: Non-Finnish European, 0.098%; 1 homozygote.

Submissions (20):

CeGaT Center for Human Genetics Tuebingen
Classification: Likely benign. Last evaluated: 2026-08-01. Review status: criteria provided, single submitter. Criteria: CeGaT Center For Human Genetics Tuebingen Variant Classification Criteria Version 2. Collection method: clinical testing. Allele origin: germline. Affected: yes. Observed: 4 variant alleles.
Comment: MYBPC3: BP4, BS2

Labcorp Genetics (formerly Invitae), Labcorp
Classification: Likely benign for Hypertrophic cardiomyopathy. Last evaluated: 2026-02-03. Review status: criteria provided, single submitter. Criteria: Invitae Variant Classification Sherloc (09022015). Collection method: clinical testing. Allele origin: germline.

Molecular Diagnostic Laboratory for Inherited Cardiovascular Disease, Montreal Heart Institute
Classification: Likely benign. Last evaluated: 2025-04-08. Review status: criteria provided, single submitter. Criteria: ACMG Guidelines, 2015. Collection method: clinical testing. Allele origin: germline. Affected: no.
Comment: BS2; BS4; BP4; BP5

Blueprint Genetics
Classification: Likely benign. Last evaluated: 2024-11-11. Review status: criteria provided, single submitter. Criteria: ACMG Guidelines, 2015. Collection method: clinical testing. Allele origin: germline.

GeneDx
Classification: Likely benign. Last evaluated: 2024-02-01. Review status: criteria provided, single submitter. Criteria: GeneDx Variant Classification Process June 2021. Collection method: clinical testing. Allele origin: germline. Affected: yes.
Comment: See Variant Classification Assertion Criteria.

Mayo Clinic Laboratories, Mayo Clinic
Classification: Likely benign. Last evaluated: 2023-12-19. Review status: criteria provided, single submitter. Criteria: ACMG Guidelines, 2015. Collection method: clinical testing. Allele origin: germline. Observed: 4 variant alleles.

ARUP Laboratories, Molecular Genetics and Genomics, ARUP Laboratories
Classification: Likely benign. Last evaluated: 2023-10-09. Review status: criteria provided, single submitter. Criteria: ARUP Molecular Germline Variant Investigation Process 2024. Collection method: clinical testing. Allele origin: germline.

Women's Health and Genetics/Laboratory Corporation of America, LabCorp
Classification: Benign. Last evaluated: 2021-03-25. Review status: criteria provided, single submitter. Criteria: LabCorp Variant Classification Summary - May 2015. Collection method: clinical testing. Allele origin: germline.
Comment: Variant summary: MYBPC3 c.3392T>C (p.Ile1131Thr) results in a non-conservative amino acid change located in the Fibronectin type III domain (IPR003961) of the encoded protein sequence. Four of five in-silico tools predict a damaging effect of the variant on protein function. The variant allele was found at a frequency of 0.00084 in 272528 control chromosomes, predominantly at a frequency of 0.0031 within the Non-Finnish European subpopulation in the gnomAD database. The observed variant frequency within Non-Finnish European control individuals in the gnomAD database is approximately 3.0 fold of the estimated maximal expected allele frequency for a pathogenic variant in MYBPC3 causing Cardiomyopathy phenotype (0.001), strongly suggesting that the variant is a benign polymorphism found primarily in populations of Non-Finnish European origin. c.3392T>C has been reported in the literature as a non-informative finding in hypertrophic cardiomyopathy cohorts (example, Alders_2003, Mook_2013, VanDriest_2004, Salazar-Mendiguchia_2020), dilated cardiomyopathy cohorts (example, Haas_2015), SIDS cohorts undergoing multigene panel testing (example, Brion_2012) and within the ESP cohort (Andreasen_2013). These report(s) do not provide unequivocal conclusions about association of the variant with Cardiomyopathy. At-least two reports of a co-occurrence with another pathogenic variant have been reported (MYBPC3 c.2373dupG, p.Trp792fsX41, Alders_2003, Mook_2013), providing supporting evidence for a benign role. To our knowledge, no experimental evidence demonstrating an impact on protein function has been reported. Ten clinical diagnostic laboratories have submitted clinical-significance assessments for this variant to ClinVar after 2014 with a majority concordance as likely benign (n=7)/benign (n=1). Based on the evidence outlined above, the variant was classified as benign.

Ambry Genetics
Classification: Likely benign for Cardiovascular phenotype. Last evaluated: 2019-01-02. Review status: criteria provided, single submitter. Criteria: Ambry Variant Classification Scheme 2023. Collection method: clinical testing. Allele origin: germline.

Color Diagnostics, LLC DBA Color Health
Classification: Likely benign for Cardiomyopathy. Last evaluated: 2018-04-13. Review status: criteria provided, single submitter. Criteria: ACMG Guidelines, 2015. Collection method: clinical testing. Allele origin: germline.

Illumina Laboratory Services, Illumina
Classification: Uncertain significance for Hypertrophic cardiomyopathy 4. Last evaluated: 2018-03-12. Review status: criteria provided, single submitter. Criteria: ICSL Variant Classification Criteria 13 December 2019. Collection method: clinical testing. Allele origin: germline.
Comment: This variant was observed as part of a predisposition screen in an ostensibly healthy population. A literature search was performed for the gene, cDNA change, and amino acid change (where applicable). Publications were found based on this search. However, the evidence from the literature, in combination with allele frequency data from public databases where available, was not sufficient to rule this variant in or out of causing disease. Therefore, this variant is classified as a variant of unknown significance.

Illumina Laboratory Services, Illumina
Classification: Benign for Left ventricular noncompaction 10. Last evaluated: 2018-03-12. Review status: criteria provided, single submitter. Criteria: ICSL Variant Classification Criteria 13 December 2019. Collection method: clinical testing. Allele origin: germline.
Comment: This variant was observed as part of a predisposition screen in an ostensibly healthy population. A literature search was performed for the gene, cDNA change, and amino acid change (where applicable). No publications were found based on this search. Allele frequency data from public databases was too high to be consistent with this variant causing disease. Therefore, this variant is classified as benign.

CHEO Genetics Diagnostic Laboratory, Children's Hospital of Eastern Ontario
Classification: Benign for Cardiomyopathy. Last evaluated: 2017-11-07. Review status: criteria provided, single submitter. Criteria: ACMG Guidelines, 2015. Collection method: clinical testing. Allele origin: germline.

Laboratory for Molecular Medicine, Mass General Brigham Personalized Medicine
Classification: Likely benign. Last evaluated: 2015-04-27. Review status: criteria provided, single submitter. Criteria: LMM Criteria. Collection method: clinical testing. Allele origin: germline. Observed: 9 variant alleles.
Comment: p.Ile1131Thr in exon 31 of MYBPC3: This variant is not expected to have clinical significance because it has been identified in 0.3% (14/4490) of Finnish chromo somes and 0.15% (72/48504) of European chromosomes by the Exome Aggregation Cons ortium (ExAC; dbSNP rs370890951). Additionally, isoleucine (Ile) at position 1131 is not conserved in mammals or evolutionarily distant species and 1 mammal (prairie vole) carries a threonine (Thr) at this po sition, supporting that this change may be tolerated.

Clinical Genetics DNA and cytogenetics Diagnostics Lab, Erasmus MC, Erasmus Medical Center
Classification: Likely benign. Review status: no assertion criteria provided. Collection method: clinical testing. Allele origin: germline. Affected: yes. Study: VKGL Data-share Consensus. Not counted in ClinVar's aggregate classification.

Clinical Genetics, Academic Medical Center
Classification: Likely benign. Review status: no assertion criteria provided. Collection method: clinical testing. Allele origin: germline. Affected: yes. Study: VKGL Data-share Consensus. Not counted in ClinVar's aggregate classification.

Diagnostic Laboratory, Department of Genetics, University Medical Center Groningen
Classification: Likely benign. Review status: no assertion criteria provided. Collection method: clinical testing. Allele origin: germline. Affected: yes. Study: VKGL Data-share Consensus. Not counted in ClinVar's aggregate classification.

Genome Diagnostics Laboratory, University Medical Center Utrecht
Classification: Likely benign. Review status: no assertion criteria provided. Collection method: clinical testing. Allele origin: germline. Affected: yes. Study: VKGL Data-share Consensus. Not counted in ClinVar's aggregate classification.

Joint Genome Diagnostic Labs from Nijmegen and Maastricht, Radboudumc and MUMC+
Classification: Likely benign. Review status: no assertion criteria provided. Collection method: clinical testing. Allele origin: germline. Affected: yes. Study: VKGL Data-share Consensus. Not counted in ClinVar's aggregate classification.

Zaffran Lab, Genetics of Cardiac Diseases Laboratory, Marseille Medical Genetics
Classification: Likely benign for hypertrophic cardiomyopathy. Review status: no assertion criteria provided. Collection method: research. Allele origin: unknown. Affected: yes. Not counted in ClinVar's aggregate classification.

Literature cited by the submitters: PubMed 14563344 (cited by 4 submitters); PubMed 15519027 (cited by 3 submitters); PubMed 22361390 (cited by 3 submitters); PubMed 23299917 (cited by Women's Health and Genetics/Laboratory Corporation of America, LabCorp and Laboratory for Molecular Medicine, Mass General Brigham Personalized Medicine); PubMed 23785128 (cited by 3 submitters); PubMed 24510615 (cited by Women's Health and Genetics/Laboratory Corporation of America, LabCorp and Laboratory for Molecular Medicine, Mass General Brigham Personalized Medicine); PubMed 25163546 (cited by Women's Health and Genetics/Laboratory Corporation of America, LabCorp); PubMed 33035702 (cited by Women's Health and Genetics/Laboratory Corporation of America, LabCorp); PubMed 16352453 (cited by Ambry Genetics and Laboratory for Molecular Medicine, Mass General Brigham Personalized Medicine); PubMed 20624503 (cited by Ambry Genetics); PubMed 23140321 (cited by Ambry Genetics and Laboratory for Molecular Medicine, Mass General Brigham Personalized Medicine); PubMed 24503780 (cited by Ambry Genetics).